The following is an entry in ClinVar:

ClinVar aggregate classification (germline): Uncertain significance (1 of 4 stars; one submission).

Conditions:
Early Myoclonic Encephalopathy. Identifiers: MedGen C0270855.

gnomAD v4.1: 16 of 1,613,910 alleles (0.00099%); highest among the groups gnomAD compares: South Asian, 0.018%; no homozygotes.

Submission:

Labcorp Genetics (formerly Invitae), Labcorp
Classification: Uncertain significance for Early Myoclonic Encephalopathy. Last evaluated: 2025-08-02. Review status: criteria provided, single submitter. Criteria: Invitae Variant Classification Sherloc (09022015). Collection method: clinical testing. Allele origin: germline.
Comment: This sequence change replaces serine, which is neutral and polar, with asparagine, which is neutral and polar, at codon 578 of the JMJD1C protein (p.Ser578Asn). This variant is present in population databases (rs748750435, gnomAD 0.02%). This variant has not been reported in the literature in individuals affected with JMJD1C-related conditions. Invitae Evidence Modeling of protein sequence and biophysical properties (such as structural, functional, and spatial information, amino acid conservation, physicochemical variation, residue mobility, and thermodynamic stability) indicates that this missense variant is not expected to disrupt JMJD1C protein function with a negative predictive value of 80%. In summary, the available evidence is currently insufficient to determine the role of this variant in disease. Therefore, it has been classified as a Variant of Uncertain Significance.

NM_032776.3(JMJD1C):c.1733G>A (p.Ser578Asn)

Gene: JMJD1C (jumonji domain containing 1C; minus strand). Cytogenetic location: 10q21.3.
Variant type: single nucleotide variant.
Coding change: c.1733G>A on transcript NM_032776.3 (MANE Select); coding-DNA position 1733, G replaced by A.
Protein change: p.Ser578Asn; replaces serine 578 with asparagine.
Molecular consequence: missense variant. On other transcripts: non-coding transcript variant (1).
Genome position (GRCh38, 1-based): chr10:63,214,434, C>T on the plus strand (G>A on the coding strand, the complement: JMJD1C is on the minus strand). VCF-style: chr10-63214434-C-T. GRCh37 (hg19) VCF-style: chr10-64974194-C-T.
Other names: c.1187G>A, p.Ser396Asn (NM_001282948.2, NM_001318154.2); c.869G>A, p.Ser290Asn (NM_001318153.2); c.1619G>A, p.Ser540Asn (NM_001322252.2); c.1076G>A, p.Ser359Asn (NM_001322254.2, NM_001322258.2); short protein forms S290N, S359N, S578N, S396N, S540N.
Identifiers: ClinVar variation 4752260 (VCV004752260.1).